The following is an entry in ClinVar:

ClinVar aggregate classification (germline): Conflicting classifications of pathogenicity. Review status: criteria provided, conflicting classifications (1 of 4 stars). 3 submissions from 3 submitters: Uncertain significance (2); Likely benign (1). Last evaluated 2025-10-22.

Conditions:
Usher syndrome type 3B. Also called: USHER SYNDROME, TYPE IIIB. Identifiers: MedGen C3281066, MONDO:0013788, OMIM 614504.

Allele frequency attached by ClinVar (database versions not stated): TOPMed 0.00002.
gnomAD v4.1: 9 of 1,600,856 alleles (0.00056%); highest among the groups gnomAD compares: Admixed American, 0.015%; no homozygotes.

Submissions (3):

GeneDx
Classification: Uncertain significance. Last evaluated: 2025-10-22. Review status: criteria provided, single submitter. Criteria: GeneDx Variant Classification Process June 2021. Collection method: clinical testing. Allele origin: germline. Affected: yes.
Comment: In silico analysis suggests that this missense variant does not alter protein structure/function; Has not been previously published as pathogenic or benign to our knowledge

Labcorp Genetics (formerly Invitae), Labcorp
Classification: Uncertain significance for Usher syndrome type 3B. Last evaluated: 2024-10-08. Review status: criteria provided, single submitter. Criteria: Invitae Variant Classification Sherloc (09022015). Collection method: clinical testing. Allele origin: germline.
Comment: This sequence change replaces glutamic acid, which is acidic and polar, with glutamine, which is neutral and polar, at codon 401 of the HARS protein (p.Glu401Gln). This variant is present in population databases (rs552434037, gnomAD 0.03%). This variant has not been reported in the literature in individuals affected with HARS-related conditions. ClinVar contains an entry for this variant (Variation ID: 946891). An algorithm developed to predict the effect of missense changes on protein structure and function (PolyPhen-2) suggests that this variant is likely to be tolerated. In summary, the available evidence is currently insufficient to determine the role of this variant in disease. Therefore, it has been classified as a Variant of Uncertain Significance.

Ambry Genetics
Classification: Likely benign. Last evaluated: 2021-12-20. Review status: criteria provided, single submitter. Criteria: Ambry Variant Classification Scheme 2023. Collection method: clinical testing. Allele origin: germline.

NM_002109.6(HARS1):c.1201G>C (p.Glu401Gln)

Gene: HARS1 (histidyl-tRNA synthetase 1; minus strand). Cytogenetic location: 5q31.3.
Variant type: single nucleotide variant.
Coding change: c.1201G>C on transcript NM_002109.6 (MANE Select); coding-DNA position 1201, G replaced by C.
Protein change: p.Glu401Gln; replaces glutamic acid 401 with glutamine.
Molecular consequence: missense variant.
Genome position (GRCh38, 1-based): chr5:140,675,127, C>G on the plus strand (G>C on the coding strand, the complement: HARS1 is on the minus strand). VCF-style: chr5-140675127-C-G. GRCh37 (hg19) VCF-style: chr5-140054712-C-G.
Other names: c.1201G>C (NM_002109.3); c.1081G>C, p.Glu361Gln (NM_001258040.3); c.1141G>C, p.Glu381Gln (NM_001258041.3); c.1021G>C, p.Glu341Gln (NM_001258042.3); c.979G>C, p.Glu327Gln (NM_001289092.2); c.859G>C, p.Glu287Gln (NM_001289093.2); c.1114G>C, p.Glu372Gln (NM_001289094.2); short protein forms E287Q, E341Q, E372Q, E327Q, E361Q, E381Q, E401Q.
Identifiers: ClinVar variation 946891 (VCV000946891.13), dbSNP rs552434037, ClinGen allele CA3443880.
Genomic context (GRCh38, chr5:140,675,127, plus strand): 5'-GCAGCTTCTTCTGTGCAGATGCCACAAGCACCTGTGTCTCCGTGGTCCGTATCTTCTCCT[C>G]CAAAGCCTGGGGAAGGGGCAGATAAAAGAGAGCTGGGCTAACACCTTCAAGGAGCAAACA-3'
Protein context (NP_002100.2, residues 391-411): SIVEQRLEAL[Glu401Gln]EKIRTTETQV